The following is an entry in ClinVar:

ClinVar aggregate classification (germline): Uncertain significance (1 of 4 stars; one submission).

Conditions:
BBS2-related disorder. Also called: BBS2-related condition; BBS2-related disorders. Identifiers: MedGen CN239228.

gnomAD v4.1: 10 of 1,614,016 alleles (0.00062%); highest among the groups gnomAD compares: African/African-American, 0.0013%; no homozygotes.

Submission:

PreventionGenetics, part of Exact Sciences
Classification: Uncertain significance for BBS2-related condition. Last evaluated: 2026-05-24. Review status: criteria provided, single submitter. Criteria: ACMG Guidelines, 2015. Collection method: clinical testing. Allele origin: germline.
Comment: The BBS2 c.253C>T variant is predicted to result in the amino acid substitution p.Pro85Ser. To our knowledge, this variant has not been reported in the literature. This variant is reported in 0.0062% of alleles in individuals of African descent in gnomAD. At this time, the clinical significance of this variant is uncertain due to the absence of conclusive functional and genetic evidence.

NM_031885.5(BBS2):c.253C>T (p.Pro85Ser)

Gene: BBS2 (Bardet-Biedl syndrome 2; minus strand). Cytogenetic location: 16q13.
Variant type: single nucleotide variant.
Coding change: c.253C>T on transcript NM_031885.5 (MANE Select); coding-DNA position 253, C replaced by T.
Protein change: p.Pro85Ser; replaces proline 85 with serine.
Molecular consequence: missense variant. On other transcripts: non-coding transcript variant (5).
Genome position (GRCh38, 1-based): chr16:56,514,545, G>A on the plus strand (C>T on the coding strand, the complement: BBS2 is on the minus strand). VCF-style: chr16-56514545-G-A. GRCh37 (hg19) VCF-style: chr16-56548457-G-A.
Other names: c.253C>T, p.Pro85Ser (NM_001377456.1); short protein forms P85S.
Identifiers: ClinVar variation 4978891 (VCV004978891.1).
Genomic context (GRCh38, chr16:56,514,545, plus strand): 5'-CATCATAAGCCAAAAGATTAGTCTGTGTCCCCACTAAAAGGGCATCATAGCCAAGCTCAG[G>A]GTTCAATACGCCTGCAGTCAGACAGCTGACTGCCTGGTTAATGCTGAGAAGAGAAACATC-3'
Protein context (NP_114091.4, residues 75-95): VSCLTAGVLN[Pro85Ser]ELGYDALLVG